The following is an entry in ClinVar:

ClinVar aggregate classification (germline): Uncertain significance (1 of 4 stars; one submission).

gnomAD v4.1: 30 of 1,614,060 alleles (0.0019%); highest among the groups gnomAD compares: Non-Finnish European, 0.0013%; no homozygotes.

Submission:

GeneDx
Classification: Uncertain significance. Last evaluated: 2024-10-25. Review status: criteria provided, single submitter. Criteria: GeneDx Variant Classification Process June 2021. Collection method: clinical testing. Allele origin: germline. Affected: yes.
Comment: Not observed at significant frequency in large population cohorts (gnomAD); In silico analysis indicates that this missense variant does not alter protein structure/function; Has not been previously published as pathogenic or benign to our knowledge

NM_003632.3(CNTNAP1):c.2398C>T (p.Pro800Ser)

Gene: CNTNAP1 (contactin associated protein 1; plus strand). Cytogenetic location: 17q21.2.
Variant type: single nucleotide variant.
Coding change: c.2398C>T on transcript NM_003632.3 (MANE Select); coding-DNA position 2398, C replaced by T.
Protein change: p.Pro800Ser; replaces proline 800 with serine.
Molecular consequence: missense variant.
Genome position (GRCh38, 1-based): chr17:42,691,859, C>T. VCF-style: chr17-42691859-C-T. GRCh37 (hg19) VCF-style: chr17-40843877-C-T.
Other names: short protein forms P800S.
Identifiers: ClinVar variation 3893577 (VCV003893577.1).